The following is an entry in ClinVar:

ClinVar aggregate classification (germline): Conflicting classifications of pathogenicity. Review status: criteria provided, conflicting classifications (1 of 4 stars). 3 submissions from 3 submitters: Likely pathogenic (1); Uncertain significance (2). Last evaluated 2024-08-08.

Conditions:
Combined immunodeficiency with skin granulomas. Identifiers: Orphanet 157949, MedGen C2673536, MONDO:0009306, OMIM 233650.
Combined immunodeficiency due to partial RAG1 deficiency. Identifiers: Orphanet 231154, MedGen C1835931, MONDO:0012359, OMIM 609889.
Histiocytic medullary reticulosis. Also called: SEVERE COMBINED IMMUNODEFICIENCY WITH HYPEREOSINOPHILIA; Omenn syndrome. Identifiers: Orphanet 39041, MedGen C2700553, MONDO:0011338, OMIM 603554.
Severe combined immunodeficiency, autosomal recessive, T cell-negative, B cell-negative, NK cell-positive. Also called: SCID, AR, T-cell negative, B-cell negative, NK cell-positive; Severe combined immunodeficiency due to complete RAG1/2 deficiency; SCID, T CELL-NEGATIVE, B CELL-NEGATIVE, NK CELL-POSITIVE. Identifiers: Orphanet 331206, MedGen C1832322, MONDO:0011086, OMIM 601457.

Submissions (3):

Labcorp Genetics (formerly Invitae), Labcorp
Classification: Uncertain significance for Combined immunodeficiency with skin granulomas; Severe combined immunodeficiency, autosomal recessive, T cell-negative, B cell-negative, NK cell-positive. Last evaluated: 2024-08-08. Review status: criteria provided, single submitter. Criteria: Invitae Variant Classification Sherloc (09022015). Collection method: clinical testing. Allele origin: germline.
Comment: This sequence change replaces threonine, which is neutral and polar, with isoleucine, which is neutral and non-polar, at codon 403 of the RAG1 protein (p.Thr403Ile). This variant is not present in population databases (gnomAD no frequency). This missense change has been observed in individual(s) with severe combined immunodeficiency (Invitae). Advanced modeling of protein sequence and biophysical properties (such as structural, functional, and spatial information, amino acid conservation, physicochemical variation, residue mobility, and thermodynamic stability) has been performed at Invitae for this missense variant, however the output from this modeling did not meet the statistical confidence thresholds required to predict the impact of this variant on RAG1 protein function. This variant disrupts the p.Thr403 amino acid residue in RAG1. Other variant(s) that disrupt this residue have been observed in individuals with RAG1-related conditions (PMID: 24290284), which suggests that this may be a clinically significant amino acid residue. In summary, the available evidence is currently insufficient to determine the role of this variant in disease. Therefore, it has been classified as a Variant of Uncertain Significance.

Fulgent Genetics
Classification: Likely pathogenic for Combined immunodeficiency with skin granulomas; Severe combined immunodeficiency, autosomal recessive, T cell-negative, B cell-negative, NK cell-positive; Histiocytic medullary reticulosis; Combined immunodeficiency due to partial RAG1 deficiency. Last evaluated: 2024-04-29. Review status: criteria provided, single submitter. Criteria: ACMG Guidelines, 2015. Collection method: clinical testing. Allele origin: germline.

Women's Health and Genetics/Laboratory Corporation of America, LabCorp
Classification: Uncertain significance. Last evaluated: 2024-04-24. Review status: criteria provided, single submitter. Criteria: LabCorp Variant Classification Summary - May 2015. Collection method: clinical testing. Allele origin: germline.

Literature cited by the submitters: PubMed 24290284 (cited by Labcorp Genetics (formerly Invitae), Labcorp).

NM_000448.3(RAG1):c.1208C>T (p.Thr403Ile)

Gene: RAG1 (recombination activating 1; plus strand). Cytogenetic location: 11p12.
Variant type: single nucleotide variant.
Coding change: c.1208C>T on transcript NM_000448.3 (MANE Select); coding-DNA position 1208, C replaced by T.
Protein change: p.Thr403Ile; replaces threonine 403 with isoleucine.
Molecular consequence: missense variant.
Genome position (GRCh38, 1-based): chr11:36,574,512, C>T. VCF-style: chr11-36574512-C-T. GRCh37 (hg19) VCF-style: chr11-36596062-C-T.
Other names: c.1208C>T, p.Thr403Ile (NM_001377277.1, NM_001377278.1, NM_001377279.1 and 1 more transcripts); short protein forms T403I.
Identifiers: ClinVar variation 3251724 (VCV003251724.4), dbSNP rs2494754990.